The following is an entry in ClinVar:

NM_001012759.3(CTU2):c.1127G>T (p.Arg376Leu)

Gene: CTU2 (cytosolic thiouridylase subunit 2; plus strand). Cytogenetic location: 16q24.3.
Variant type: single nucleotide variant.
Coding change: c.1127G>T on transcript NM_001012759.3 (MANE Select); coding-DNA position 1127, G replaced by T.
Protein change: p.Arg376Leu; replaces arginine 376 with leucine.
Molecular consequence: missense variant.
Genome position (GRCh38, 1-based): chr16:88,714,412, G>T. VCF-style: chr16-88714412-G-T. GRCh37 (hg19) VCF-style: chr16-88780820-G-T.
Other names: c.1127G>T, p.Arg376Leu (NM_001012762.3); c.1340G>T, p.Arg447Leu (NM_001318507.2); c.866G>T, p.Arg289Leu (NM_001318513.2); short protein forms R289L, R376L, R447L.
Identifiers: ClinVar variation 1305420 (VCV001305420.4), dbSNP rs61730419, ClinGen allele CA8230856.

ClinVar aggregate classification (germline): Uncertain significance (1 of 4 stars; one submission).

Allele frequency attached by ClinVar (database versions not stated): 1000 Genomes Project 30x 0.00047; 1000 Genomes Project 0.00060.
gnomAD v4.1: 91 of 1,612,524 alleles (0.0056%); highest among the groups gnomAD compares: African/African-American, 0.11%; no homozygotes.

Submission:

GeneDx
Classification: Uncertain significance. Last evaluated: 2025-05-29. Review status: criteria provided, single submitter. Criteria: GeneDx Variant Classification Process June 2021. Collection method: clinical testing. Allele origin: germline. Affected: yes.
Comment: In silico analysis suggests that this missense variant does not alter protein structure/function; Has not been previously published as pathogenic or benign to our knowledge